The following is an entry in ClinVar:

NM_005591.4(MRE11):c.1190A>G (p.His397Arg)

Gene: MRE11 (MRE11 double strand break repair nuclease; minus strand). Cytogenetic location: 11q21.
Variant type: single nucleotide variant.
Coding change: c.1190A>G on transcript NM_005591.4 (MANE Select); coding-DNA position 1190, A replaced by G.
Protein change: p.His397Arg; replaces histidine 397 with arginine.
Molecular consequence: missense variant.
Genome position (GRCh38, 1-based): chr11:94,464,148, T>C on the plus strand (A>G on the coding strand, the complement: MRE11 is on the minus strand). VCF-style: chr11-94464148-T-C. GRCh37 (hg19) VCF-style: chr11-94197314-T-C.
Other names: c.1190A>G, p.His397Arg (NM_001330347.2, NM_005590.4); short protein forms H397R.
Identifiers: ClinVar variation 232975 (VCV000232975.5), dbSNP rs372657126, ClinGen allele CA6235138.

ClinVar aggregate classification (germline): Uncertain significance (1 of 4 stars; one submission).

Conditions:
Hereditary cancer-predisposing syndrome. Also called: Neoplastic Syndromes, Hereditary; Tumor predisposition; Hereditary Cancer Syndrome; Hereditary neoplastic syndrome. Identifiers: Orphanet 140162, MedGen C0027672, MeSH D009386, MONDO:0015356.

Allele frequency attached by ClinVar (database versions not stated): gnomAD exomes below 0.00001; ExAC 0.00001; ESP Exome Variant Server 0.00008.
gnomAD v4.1: 4 of 1,613,856 alleles (0.00025%); highest among the groups gnomAD compares: Non-Finnish European, 0.00034%; no homozygotes.

Submission:

Ambry Genetics
Classification: Uncertain significance for Hereditary cancer-predisposing syndrome. Last evaluated: 2015-07-17. Review status: criteria provided, single submitter. Criteria: Ambry Variant Classification Scheme 2023. Collection method: clinical testing. Allele origin: germline.
Comment: The p.H397R variant (also known as c.1190A>G), located in coding exon 10 of the MRE11A gene, results from an A to G substitution at nucleotide position 1190. The histidine at codon 397 is replaced by arginine, an amino acid with highly similar properties. This variant was previously reported in the SNPDatabase as rs372657126. Based on data from the NHLBI Exome Sequencing Project (ESP), the G allele has an overall frequency of approximately 0.01% (1/12998) total alleles studied and 0.01% (1/8596) European American alleles. To date, this alteration has been detected with an allele frequency of approximately 0.002% (greater than 65000 alleles tested) in our clinical cohort. This amino acid position is highly conserved in available vertebrate species. In addition, this alteration is predicted to be deleterious by in silico analysis. Since supporting evidence is limited at this time, the clinical significance of p.H397R remains unclear.